The following is an entry in ClinVar:

ClinVar aggregate classification (germline): Likely pathogenic (0 of 4 stars; one submission).

Conditions:
SOX10-related disorder. Also called: SOX10-related condition.

Submission:

PreventionGenetics, part of Exact Sciences
Classification: Likely pathogenic for SOX10-related condition. Last evaluated: 2023-12-20. Review status: no assertion criteria provided. Collection method: clinical testing. Allele origin: germline.
Comment: The SOX10 c.543delG variant is predicted to result in a frameshift and premature protein termination (p.Lys182Argfs*104). To our knowledge, this variant has not been reported in the literature or in a large population database, indicating this variant is rare. Frameshift variants in SOX10 are expected to be pathogenic. This variant is interpreted as likely pathogenic.

NM_006941.4(SOX10):c.543del (p.Lys182fs)

Genes: POLR2F (RNA polymerase II, I and III subunit F; plus strand), SOX10 (SRY-box transcription factor 10; minus strand). Cytogenetic location: 22q13.1.
Variant type: Deletion.
Coding change: c.543del on transcript NM_006941.4 (MANE Select); coding-DNA position 543, one base deleted (G; older notation c.543delG).
Protein change: p.Lys182fs; shifts the reading frame from lysine 182.
Molecular consequence: frameshift variant. On other transcripts: intron variant (3).
Genome position (GRCh38, 1-based): chr22:37,978,021, C deleted on the plus strand (G on the coding strand, the reverse complement: SOX10 is on the minus strand); the first of 3 consecutive C bases (chr22:37,978,021-37,978,023); deleting any one gives the same sequence. VCF-style (leftmost placement, unchanged base first): chr22-37978020-TC-T. GRCh37 (hg19) VCF-style: chr22-38374027-TC-T.
Other names: c.*38+5713del (NM_001363825.1); c.294-8131del (NM_001301130.2); c.293+10853del (NM_001301131.2); c.543delG (NM_006941.3); short protein forms K182fs.
Identifiers: ClinVar variation 3056703 (VCV003056703.2), dbSNP rs2518046801, ClinGen allele CA2740094833.
Genomic context (GRCh38, chr22:37,978,020, plus strand): 5'-CGGCGGTCCCACCTTGCTCGGCCTCCCCACCGGGGCACTCCGCCTCGCCCTGGGCGGCCT[TC>T]CCGTTCTTCCGCCGCCTGGGCTGGTACTTGTAGTCCGGGTGGTCTTTCTTGTGCTGCATA-3'